The following is an entry in ClinVar:

NM_001161352.2(KCNMA1):c.378+803G>T

Gene: KCNMA1 (potassium calcium-activated channel subfamily M alpha 1; minus strand). Cytogenetic location: 10q22.3.
Variant type: single nucleotide variant.
Coding change: c.378+803G>T on transcript NM_001161352.2 (MANE Select); 803 bases into the intron after coding-DNA position 378, G replaced by T.
Molecular consequence: intron variant. On other transcripts: 3 prime UTR variant (2), synonymous variant (1), missense variant (1).
Genome position (GRCh38, 1-based): chr10:77,636,462, C>A on the plus strand (G>T on the coding strand, the complement: KCNMA1 is on the minus strand). VCF-style: chr10-77636462-C-A. GRCh37 (hg19) VCF-style: chr10-79396220-C-A.
Other names: c.*281G>T (NM_001271520.2); c.*99G>T (NM_001271521.2); c.432G>T, p.Gly144= (NM_001271522.2); c.599G>T, p.Gly200Val (NM_001322839.2); c.378+803G>T (NM_001271518.2, NM_001322832.2, NM_001410940.1 and 9 more transcripts); short protein forms G200V.
Identifiers: ClinVar variation 3772262 (VCV003772262.13).

ClinVar aggregate classification (germline): Likely benign (1 of 4 stars; one submission).

Submission:

CeGaT Center for Human Genetics Tuebingen
Classification: Likely benign. Last evaluated: 2025-01-01. Review status: criteria provided, single submitter. Criteria: CeGaT Center For Human Genetics Tuebingen Variant Classification Criteria Version 2. Collection method: clinical testing. Allele origin: germline. Affected: yes. Observed: 1 variant allele.
Comment: KCNMA1: PM2:Supporting, BP4, BP7